The following is an entry in ClinVar:

ClinVar aggregate classification (germline): Pathogenic (1 of 4 stars; one submission).

Conditions:
Adams-Oliver syndrome 5 (AOS5). Identifiers: Orphanet 974, MedGen C4014970, MONDO:0014459, OMIM 616028.

Submission:

Labcorp Genetics (formerly Invitae), Labcorp
Classification: Pathogenic for Adams-Oliver syndrome 5. Last evaluated: 2021-03-01. Review status: criteria provided, single submitter. Criteria: Invitae Variant Classification Sherloc (09022015). Collection method: clinical testing. Allele origin: germline.
Comment: This sequence change creates a premature translational stop signal (p.Tyr595Trpfs*35) in the NOTCH1 gene. It is expected to result in an absent or disrupted protein product. Loss-of-function variants in NOTCH1 are known to be pathogenic (PMID: 16025100, 21457232, 25132448, 25963545). This variant is not present in population databases (ExAC no frequency). This variant has not been reported in the literature in individuals with NOTCH1-related conditions. For these reasons, this variant has been classified as Pathogenic.

Literature cited by the submitters: PubMed 16025100; PubMed 21457232; PubMed 25132448; PubMed 25963545.

NM_017617.5(NOTCH1):c.1784_1787del (p.Tyr595fs)

Gene: NOTCH1 (notch receptor 1; minus strand). Cytogenetic location: 9q34.3.
Variant type: Deletion.
Coding change: c.1784_1787del on transcript NM_017617.5 (MANE Select); coding-DNA positions 1784 to 1787, 4 bases deleted (ACAC; older notation c.1784_1787delACAC).
Protein change: p.Tyr595fs; shifts the reading frame from tyrosine 595.
Molecular consequence: frameshift variant.
Genome position (GRCh38, 1-based): chr9:136,515,599-136,515,602, GTGT deleted on the plus strand (ACAC on the coding strand, the reverse complement: NOTCH1 is on the minus strand). VCF-style (leftmost placement, unchanged base first): chr9-136515598-CGTGT-C. GRCh37 (hg19) VCF-style: chr9-139410050-CGTGT-C.
Other names: short protein forms Y595fs.
Identifiers: ClinVar variation 1075050 (VCV001075050.7), dbSNP rs2133363840, ClinGen allele CA2499219796.